The following is an entry in ClinVar:

NM_006261.5(PROP1):c.110-41G>A

Gene: PROP1 (PROP paired-like homeobox 1; minus strand). Cytogenetic location: 5q35.3.
Variant type: single nucleotide variant.
Coding change: c.110-41G>A on transcript NM_006261.5 (MANE Select); 41 bases into the intron before coding-DNA position 110, G replaced by A.
Molecular consequence: intron variant.
Genome position (GRCh38, 1-based): chr5:177,994,379, C>T on the plus strand (G>A on the coding strand, the complement: PROP1 is on the minus strand). VCF-style: chr5-177994379-C-T. GRCh37 (hg19) VCF-style: chr5-177421380-C-T.
Identifiers: ClinVar variation 4845450 (VCV004845450.1).

ClinVar aggregate classification (germline): Uncertain significance (1 of 4 stars; one submission).

gnomAD v4.1: 645 of 1,504,364 alleles (0.043%); highest among the groups gnomAD compares: Non-Finnish European, 0.054%; no homozygotes.

Submission:

Greenwood Genetic Center Diagnostic Laboratories, Greenwood Genetic Center
Classification: Uncertain significance. Last evaluated: 2025-11-10. Review status: criteria provided, single submitter. Criteria: ACMG Guidelines, 2015. Collection method: clinical testing. Allele origin: germline. Affected: yes.
Comment: PM2, BP4